The following is an entry in ClinVar:

NM_033028.5(BBS4):c.1405G>C (p.Gly469Arg)

Gene: BBS4 (Bardet-Biedl syndrome 4; plus strand). Cytogenetic location: 15q24.1.
Variant type: single nucleotide variant.
Coding change: c.1405G>C on transcript NM_033028.5 (MANE Select); coding-DNA position 1405, G replaced by C.
Protein change: p.Gly469Arg; replaces glycine 469 with arginine.
Molecular consequence: missense variant. On other transcripts: non-coding transcript variant (2).
Genome position (GRCh38, 1-based): chr15:72,736,918, G>C. VCF-style: chr15-72736918-G-C. GRCh37 (hg19) VCF-style: chr15-73029259-G-C.
Other names: c.1405G>C (NM_033028.4); c.889G>C, p.Gly297Arg (NM_001252678.2); c.1336G>C, p.Gly446Arg (NM_001320665.2); short protein forms G446R, G297R, G469R.
Identifiers: ClinVar variation 2005458 (VCV002005458.5), dbSNP rs765584663, ClinGen allele CA7647016.

ClinVar aggregate classification (germline): Uncertain significance. Review status: criteria provided, multiple submitters, no conflicts (2 of 4 stars). 2 submissions from 2 submitters: Uncertain significance (2). Last evaluated 2025-02-07.

Conditions:
BBS4-related disorder. Also called: BBS4-related condition.
Bardet-Biedl syndrome (BBS). Identifiers: Orphanet 110, MedGen C0752166, MONDO:0015229.

gnomAD v4.1: 2 of 1,614,180 alleles (0.00012%); highest among the groups gnomAD compares: East Asian, 0.0022%; no homozygotes.

Submissions (2):

PreventionGenetics, part of Exact Sciences
Classification: Uncertain significance for BBS4-related condition. Last evaluated: 2025-02-07. Review status: criteria provided, single submitter. Criteria: ACMG Guidelines, 2015. Collection method: clinical testing. Allele origin: germline.
Comment: The BBS4 c.1405G>C variant is predicted to result in the amino acid substitution p.Gly469Arg. To our knowledge, this variant has not been reported in the literature. This variant is reported in 0.0054% of alleles in individuals of East Asian descent in gnomAD. At this time, the clinical significance of this variant is uncertain due to the absence of conclusive functional and genetic evidence.

Labcorp Genetics (formerly Invitae), Labcorp
Classification: Uncertain significance for Bardet-Biedl syndrome. Last evaluated: 2022-06-13. Review status: criteria provided, single submitter. Criteria: Invitae Variant Classification Sherloc (09022015). Collection method: clinical testing. Allele origin: germline.
Comment: In summary, the available evidence is currently insufficient to determine the role of this variant in disease. Therefore, it has been classified as a Variant of Uncertain Significance. Algorithms developed to predict the effect of missense changes on protein structure and function are either unavailable or do not agree on the potential impact of this missense change (SIFT: "Deleterious"; PolyPhen-2: "Probably Damaging"; Align-GVGD: "Class C0"). This variant has not been reported in the literature in individuals affected with BBS4-related conditions. This variant is present in population databases (rs765584663, gnomAD 0.006%). This sequence change replaces glycine, which is neutral and non-polar, with arginine, which is basic and polar, at codon 469 of the BBS4 protein (p.Gly469Arg).